The following is an entry in ClinVar:

ClinVar aggregate classification (germline): Likely benign (1 of 4 stars; one submission).

Conditions:
Familial cancer of breast. Also called: hereditary breast carcinoma; Hereditary breast cancer; BREAST CANCER, FAMILIAL. Identifiers: Orphanet 227535, MedGen C0346153, MONDO:0016419, OMIM 114480. Disease mechanism: loss of function.

Submission:

Myriad Genetics, Inc.
Classification: Likely benign for Familial cancer of breast. Last evaluated: 2024-08-28. Review status: criteria provided, single submitter. Criteria: Myriad Autosomal Dominant, Autosomal Recessive and X-Linked Classification Criteria (2023). Collection method: clinical testing. Allele origin: unknown.
Comment: This variant is considered likely benign. This variant is intronic and is not expected to impact mRNA splicing.

NM_032043.3(BRIP1):c.1474-4A>C

Gene: BRIP1 (BRCA1 interacting DNA helicase 1; minus strand). Cytogenetic location: 17q23.2.
Variant type: single nucleotide variant.
Coding change: c.1474-4A>C on transcript NM_032043.3 (MANE Select); 4 bases into the intron before coding-DNA position 1474, A replaced by C.
Molecular consequence: intron variant.
Genome position (GRCh38, 1-based): chr17:61,784,428, T>G on the plus strand (A>C on the coding strand, the complement: BRIP1 is on the minus strand). VCF-style: chr17-61784428-T-G. GRCh37 (hg19) VCF-style: chr17-59861789-T-G.
Identifiers: ClinVar variation 3378692 (VCV003378692.1).